The following is an entry in ClinVar:

NM_133459.4(CCBE1):c.11C>T (p.Pro4Leu)

Gene: CCBE1 (collagen and calcium binding EGF domains 1; minus strand). Cytogenetic location: 18q21.32.
Variant type: single nucleotide variant.
Coding change: c.11C>T on transcript NM_133459.4 (MANE Select); coding-DNA position 11, C replaced by T.
Protein change: p.Pro4Leu; replaces proline 4 with leucine.
Molecular consequence: missense variant.
Genome position (GRCh38, 1-based): chr18:59,697,332, G>A on the plus strand (C>T on the coding strand, the complement: CCBE1 is on the minus strand). VCF-style: chr18-59697332-G-A. GRCh37 (hg19) VCF-style: chr18-57364564-G-A.
Other names: c.11C>T (NM_133459.3); short protein forms P4L.
Identifiers: ClinVar variation 1364675 (VCV001364675.9), dbSNP rs1399379357, ClinGen allele CA402717614.

ClinVar aggregate classification (germline): Uncertain significance. Review status: criteria provided, multiple submitters, no conflicts (2 of 4 stars). 2 submissions from 2 submitters: Uncertain significance (2). Last evaluated 2025-08-14.

Conditions:
Inborn genetic diseases. Identifiers: MedGen C0950123, MeSH D030342.

gnomAD v4.1: 17 of 1,547,896 alleles (0.0011%); highest among the groups gnomAD compares: East Asian, 0.037%; no homozygotes.

Submissions (2):

Ambry Genetics
Classification: Uncertain significance for Inborn genetic diseases. Last evaluated: 2025-08-14. Review status: criteria provided, single submitter. Criteria: Ambry Variant Classification Scheme 2023. Collection method: clinical testing. Allele origin: germline.

Labcorp Genetics (formerly Invitae), Labcorp
Classification: Uncertain significance. Last evaluated: 2021-06-29. Review status: criteria provided, single submitter. Criteria: Invitae Variant Classification Sherloc (09022015). Collection method: clinical testing. Allele origin: germline.
Comment: This sequence change replaces proline with leucine at codon 4 of the CCBE1 protein (p.Pro4Leu). The proline residue is weakly conserved and there is a moderate physicochemical difference between proline and leucine. The frequency data for this variant in the population databases is considered unreliable, as metrics indicate insufficient coverage at this position in the ExAC database. This variant has not been reported in the literature in individuals affected with CCBE1-related conditions. Algorithms developed to predict the effect of missense changes on protein structure and function are either unavailable or do not agree on the potential impact of this missense change (SIFT: "Deleterious"; PolyPhen-2: "Benign"; Align-GVGD: "Class C0"). In summary, the available evidence is currently insufficient to determine the role of this variant in disease. Therefore, it has been classified as a Variant of Uncertain Significance.